The following is an entry in ClinVar:

ClinVar aggregate classification (germline): Conflicting classifications of pathogenicity. Review status: criteria provided, conflicting classifications (1 of 4 stars). 5 submissions from 5 submitters: Uncertain significance (2); Benign (1); Likely benign (2). Last evaluated 2026-01-23.

Conditions:
Erythrokeratodermia variabilis et progressiva 2 (EKVP2). Identifiers: MedGen C4479618, MONDO:0033012, OMIM 617524.

Allele frequency attached by ClinVar (database versions not stated): 1000 Genomes Project 0.00120; 1000 Genomes Project 30x 0.00125; TOPMed 0.00151; ESP Exome Variant Server 0.00177; gnomAD 0.00204.
gnomAD v4.1: 3,254 of 1,614,228 alleles (0.2%); highest among the groups gnomAD compares: Non-Finnish European, 0.23%; 9 homozygotes.

Submissions (5):

Labcorp Genetics (formerly Invitae), Labcorp
Classification: Benign. Last evaluated: 2026-01-23. Review status: criteria provided, single submitter. Criteria: Invitae Variant Classification Sherloc (09022015). Collection method: clinical testing. Allele origin: germline.

Blueprint Genetics
Classification: Likely benign. Last evaluated: 2024-11-25. Review status: criteria provided, single submitter. Criteria: ACMG Guidelines, 2015. Collection method: clinical testing. Allele origin: germline.

GeneDx
Classification: Uncertain significance. Last evaluated: 2024-02-13. Review status: criteria provided, single submitter. Criteria: GeneDx Variant Classification Process June 2021. Collection method: clinical testing. Allele origin: germline. Affected: yes.
Comment: Observed in the heterozygous state in a patient with palmoplantar keratoderma from the published literature (PMID: 33914963); Nonsense variant predicted to result in protein truncation as the last 139 amino acids are lost, although loss-of-function variants have not been reported downstream of this position in the protein; This variant is associated with the following publications: (PMID: Herwaarden[book]2021, 33914963)

Department of Pathology and Laboratory Medicine, Sinai Health System
Classification: Likely benign for Erythrokeratodermia variabilis et progressiva 2. Last evaluated: 2023-04-23. Review status: criteria provided, single submitter. Criteria: ACMG Guidelines, 2015. Collection method: research. Allele origin: germline.

CeGaT Center for Human Genetics Tuebingen
Classification: Uncertain significance. Last evaluated: 2017-01-01. Review status: criteria provided, single submitter. Criteria: CeGaT Center For Human Genetics Tuebingen Variant Classification Criteria Version 2. Collection method: clinical testing. Allele origin: germline. Affected: yes. Observed: 1 variant allele.

NM_153212.3(GJB4):c.384G>A (p.Trp128Ter)

Gene: GJB4 (gap junction protein beta 4; plus strand). Cytogenetic location: 1p34.3.
Variant type: single nucleotide variant.
Coding change: c.384G>A on transcript NM_153212.3 (MANE Select); coding-DNA position 384, G replaced by A.
Protein change: p.Trp128Ter; replaces tryptophan 128 with a stop codon.
Molecular consequence: nonsense.
Genome position (GRCh38, 1-based): chr1:34,761,638, G>A. VCF-style: chr1-34761638-G-A. GRCh37 (hg19) VCF-style: chr1-35227239-G-A.
Other names: short protein forms W128*.
Identifiers: ClinVar variation 774579 (VCV000774579.54), dbSNP rs149110828, ClinGen allele CA754568.